The following is an entry in ClinVar:

NM_000093.5(COL5A1):c.3418G>A (p.Val1140Met)

Gene: COL5A1 (collagen type V alpha 1 chain; plus strand). Cytogenetic location: 9q34.3.
Variant type: single nucleotide variant.
Coding change: c.3418G>A on transcript NM_000093.5 (MANE Select); coding-DNA position 3418, G replaced by A.
Protein change: p.Val1140Met; replaces valine 1140 with methionine.
Molecular consequence: missense variant.
Genome position (GRCh38, 1-based): chr9:134,809,234, G>A. VCF-style: chr9-134809234-G-A. GRCh37 (hg19) VCF-style: chr9-137701080-G-A.
Other names: p.V1140M:GTG>ATG; c.3418G>A, p.Val1140Met (NM_001278074.1); short protein forms V1140M.
Identifiers: ClinVar variation 213048 (VCV000213048.52), dbSNP rs149616140, ClinGen allele CA320285.
Genomic context (GRCh38, chr9:134,809,234, plus strand): 5'-ATTCTCTAGGGCGAGAAAGGCCCACAAGGCCCAGCTGGCCGAGACGGTCTCCAGGGGCCT[G>A]TGGGGCTCCCGGGTCCAGCTGGCCCTGTGGGTCCCCCTGGAGAAGACGGAGATAAGGTAA-3'
Protein context (NP_000084.3, residues 1130-1150): PAGRDGLQGP[Val1140Met]GLPGPAGPVG

ClinVar aggregate classification (germline): Conflicting classifications of pathogenicity. Review status: criteria provided, conflicting classifications (1 of 4 stars). 10 submissions from 10 submitters: Uncertain significance (1); Benign (1); Likely benign (7). 1 of the submissions does not count toward it. Last evaluated 2026-03-27.

Conditions:
Ehlers-Danlos syndrome, classic type, 1 (EDSCL1). Also called: EHLERS-DANLOS SYNDROME, GRAVIS TYPE; EHLERS-DANLOS SYNDROME, SEVERE CLASSIC TYPE; Ehlers-Danlos syndrome, type 1; Ehlers-Danlos Syndrome, Classic Type, COL5A1-Related; EDS I. Identifiers: MedGen C0268335, MONDO:0019567, OMIM 130000.
Ehlers-Danlos syndrome (EDS). Identifiers: Orphanet 98249, MedGen C0013720, MONDO:0020066.
COL5A1-related disorder. Also called: COL5A1-related condition.
Familial thoracic aortic aneurysm and aortic dissection (TAAD). Also called: Thoracic aortic aneurysms and dissections. Identifiers: Orphanet 91387, MedGen C4707243, MONDO:0019625.

Allele frequency attached by ClinVar (database versions not stated): gnomAD 0.00029 and 0.00087; 1000 Genomes Project 0.00040; ESP Exome Variant Server 0.00046; 1000 Genomes Project 30x 0.00047; ExAC 0.00076; TOPMed 0.00107.
gnomAD v4.1: 518 of 1,607,406 alleles (0.032%); highest among the groups gnomAD compares: Admixed American, 0.071%; 4 homozygotes.

Submissions (10):

Molecular Diagnostic Laboratory for Inherited Cardiovascular Disease, Montreal Heart Institute
Classification: Likely benign. Last evaluated: 2026-03-27. Review status: criteria provided, single submitter. Criteria: ACMG Guidelines, 2015. Collection method: clinical testing. Allele origin: germline. Affected: no.
Comment: BS1

Labcorp Genetics (formerly Invitae), Labcorp
Classification: Likely benign for Ehlers-Danlos syndrome, classic type, 1. Last evaluated: 2026-01-27. Review status: criteria provided, single submitter. Criteria: Invitae Variant Classification Sherloc (09022015). Collection method: clinical testing. Allele origin: germline.

Mayo Clinic Laboratories, Mayo Clinic
Classification: Likely benign. Last evaluated: 2025-09-15. Review status: criteria provided, single submitter. Criteria: ACMG Guidelines, 2015. Collection method: clinical testing. Allele origin: germline. Observed: 3 variant alleles.
Comment: the same text as in the submission from Molecular Diagnostic Laboratory for Inherited Cardiovascular Disease, Montreal Heart Institute above.

Women's Health and Genetics/Laboratory Corporation of America, LabCorp
Classification: Likely benign. Last evaluated: 2025-03-24. Review status: criteria provided, single submitter. Criteria: LabCorp Variant Classification Summary - May 2015. Collection method: clinical testing. Allele origin: germline.
Comment: Variant summary: COL5A1 c.3418G>A (p.Val1140Met) results in a conservative amino acid change in the encoded protein sequence. Three of five in-silico tools predict a damaging effect of the variant on protein function. The variant allele was found at a frequency of 0.00032 in 1607406 control chromosomes in the gnomAD database (v4.1 dataset), including 4 homozygotes. The observed variant frequency is approximately 10-fold of the estimated maximal expected allele frequency for a pathogenic variant in COL5A1 causing Ehlers-Danlos Syndrome phenotype (3.1e-05). The variant, c.3418G>A, has been reported in the literature in at least two related individuals affected with clinical features of Ehlers-Danlos Syndrome (e.g., Junkiert-Czarnecka_2019, Junkiert-Czarnecka_2022), and one of these individuals also carried a second variant, c.2588A>T (p.Glu863Val). Based on their co-occurrence pattern in gnomAD (v2.1 dataset), these variants are likely found on the same haplotype in most individuals. These report(s) do not provide unequivocal conclusions about association of the variant with Ehlers-Danlos Syndrome. To our knowledge, no experimental evidence demonstrating an impact on protein function has been reported. The following publications have been ascertained in the context of this evaluation (PMID: 30858776, 35723357). ClinVar contains an entry for this variant (Variation ID: 213048). Based on the evidence outlined above, the variant was classified as likely benign.

Blueprint Genetics
Classification: Likely benign. Last evaluated: 2024-11-11. Review status: criteria provided, single submitter. Criteria: ACMG Guidelines, 2015. Collection method: clinical testing. Allele origin: germline.

CeGaT Center for Human Genetics Tuebingen
Classification: Benign. Last evaluated: 2022-10-01. Review status: criteria provided, single submitter. Criteria: CeGaT Center For Human Genetics Tuebingen Variant Classification Criteria Version 2. Collection method: clinical testing. Allele origin: germline. Affected: yes. Observed: 1 variant allele.
Comment: COL5A1: BS1, BS2

GeneDx
Classification: Likely benign. Last evaluated: 2021-04-20. Review status: criteria provided, single submitter. Criteria: GeneDx Variant Classification Process June 2021. Collection method: clinical testing. Allele origin: germline. Affected: yes.
Comment: This variant is associated with the following publications: (PMID: 30858776)

Ambry Genetics
Classification: Likely benign for Familial thoracic aortic aneurysm and aortic dissection. Last evaluated: 2020-11-19. Review status: criteria provided, single submitter. Criteria: Ambry Variant Classification Scheme 2023. Collection method: clinical testing. Allele origin: germline.

Genome Diagnostics Laboratory, The Hospital for Sick Children
Classification: Uncertain significance for Ehlers-Danlos syndrome. Last evaluated: 2020-04-01. Review status: criteria provided, single submitter. Criteria: ACMG Guidelines, 2015. Collection method: clinical testing. Allele origin: germline.

PreventionGenetics, part of Exact Sciences
Classification: Likely benign for COL5A1-related condition. Last evaluated: 2021-05-05. Review status: no assertion criteria provided. Collection method: clinical testing. Allele origin: germline. Not counted in ClinVar's aggregate classification.
Comment: This variant is classified as likely benign based on ACMG/AMP sequence variant interpretation guidelines (Richards et al. 2015 PMID: 25741868, with internal and published modifications).

Literature cited by the submitters: PubMed 30858776 (cited by 3 submitters); PubMed 35723357 (cited by Mayo Clinic Laboratories, Mayo Clinic and Women's Health and Genetics/Laboratory Corporation of America, LabCorp).